The following is an entry in ClinVar:

ClinVar aggregate classification (germline): Uncertain significance (1 of 4 stars; one submission).

Conditions:
SEMA3A-related disorder. Also called: SEMA3A-related condition.

gnomAD v4.1: 1 of 1,613,994 alleles (0.000062%); highest among the groups gnomAD compares: Non-Finnish European, 0.000085%; no homozygotes.

Submission:

PreventionGenetics, part of Exact Sciences
Classification: Uncertain significance for SEMA3A-related condition. Last evaluated: 2025-04-28. Review status: criteria provided, single submitter. Criteria: ACMG Guidelines, 2015. Collection method: clinical testing. Allele origin: germline.
Comment: The SEMA3A c.157A>G variant is predicted to result in the amino acid substitution p.Asn53Asp. To our knowledge, this variant has not been reported in the literature or in a large population database (gnomAD), indicating this variant is rare. At this time, the clinical significance of this variant is uncertain due to the absence of conclusive functional and genetic evidence.

NM_006080.3(SEMA3A):c.157A>G (p.Asn53Asp)

Gene: SEMA3A (semaphorin 3A; minus strand). Cytogenetic location: 7q21.11.
Variant type: single nucleotide variant.
Coding change: c.157A>G on transcript NM_006080.3 (MANE Select); coding-DNA position 157, A replaced by G.
Protein change: p.Asn53Asp; replaces asparagine 53 with aspartic acid.
Molecular consequence: missense variant.
Genome position (GRCh38, 1-based): chr7:84,134,907, T>C on the plus strand (A>G on the coding strand, the complement: SEMA3A is on the minus strand). VCF-style: chr7-84134907-T-C. GRCh37 (hg19) VCF-style: chr7-83764223-T-C.
Other names: short protein forms N53D.
Identifiers: ClinVar variation 5000472 (VCV005000472.1).
Genomic context (GRCh38, chr7:84,134,907, plus strand): 5'-CTCCAACATACAGCCTACTCCGTTCCTCATCCAAAAGGAAGGTATGATAACTGGAGCTGT[T>C]GGCCAAGCCATTGAAAGTGATCACATTGTTGGATTCCAACATTTCTGCAAGGTAACAAAG-3'
Protein context (NP_006071.1, residues 43-63): NNVITFNGLA[Asn53Asp]SSSYHTFLLD